The following is an entry in ClinVar:

ClinVar aggregate classification (germline): Uncertain significance (1 of 4 stars; one submission).

Conditions:
Neuropathy, hereditary sensory, type 2C. Also called: KIF1A-Related HSAN2 (HSAN2C); Hereditary sensory and autonomic neuropathy type IIC. Identifiers: Orphanet 970, MedGen C3280168, MONDO:0013634, OMIM 614213.
Hereditary spastic paraplegia 30. Identifiers: Orphanet 101010, MedGen C5235139, MONDO:0012476.
Intellectual disability, autosomal dominant 9 (NESCAVS). Also called: KIF1A-Related Neurodevelopmental Disorder; NESCAV SYNDROME. Identifiers: Orphanet 662367, MedGen C5393830, MONDO:0013656, OMIM 614255.

Submission:

Labcorp Genetics (formerly Invitae), Labcorp
Classification: Uncertain significance for Hereditary spastic paraplegia 30; Neuropathy, hereditary sensory, type 2C; Intellectual disability, autosomal dominant 9. Last evaluated: 2025-06-09. Review status: criteria provided, single submitter. Criteria: Invitae Variant Classification Sherloc (09022015). Collection method: clinical testing. Allele origin: germline.
Comment: This sequence change replaces lysine, which is basic and polar, with arginine, which is basic and polar, at codon 442 of the KIF1A protein (p.Lys442Arg). This variant is not present in population databases (gnomAD no frequency). This variant has not been reported in the literature in individuals affected with KIF1A-related conditions. Invitae Evidence Modeling of protein sequence and biophysical properties (such as structural, functional, and spatial information, amino acid conservation, physicochemical variation, residue mobility, and thermodynamic stability) indicates that this missense variant is expected to disrupt KIF1A protein function with a positive predictive value of 95%. In summary, the available evidence is currently insufficient to determine the role of this variant in disease. Therefore, it has been classified as a Variant of Uncertain Significance.

NM_001244008.2(KIF1A):c.1352A>G (p.Lys451Arg)

Gene: KIF1A (kinesin family member 1A; minus strand). Cytogenetic location: 2q37.3.
Variant type: single nucleotide variant.
Coding change: c.1352A>G on transcript NM_001244008.2 (MANE Select); coding-DNA position 1352, A replaced by G.
Protein change: p.Lys451Arg; replaces lysine 451 with arginine.
Molecular consequence: missense variant.
Genome position (GRCh38, 1-based): chr2:240,769,696, T>C on the plus strand (A>G on the coding strand, the complement: KIF1A is on the minus strand). VCF-style: chr2-240769696-T-C. GRCh37 (hg19) VCF-style: chr2-241709113-T-C.
Other names: c.1352A>G, p.Lys451Arg (NM_001320705.2, NM_001330289.2, NM_001379638.1); c.1427A>G, p.Lys476Arg (NM_001330290.2, NM_001379631.1, NM_001379634.1 and 2 more transcripts); c.1325A>G, p.Lys442Arg (NM_001379632.1, NM_001379633.1, NM_001379636.1 and 10 more transcripts); c.1400A>G, p.Lys467Arg (NM_001379637.1, NM_001379648.1); short protein forms K451R, K467R, K442R, K476R.
Identifiers: ClinVar variation 4789382 (VCV004789382.1).